The following is an entry in ClinVar:

ClinVar aggregate classification (germline): Pathogenic/Likely pathogenic. Review status: criteria provided, multiple submitters, no conflicts (2 of 4 stars). 3 submissions from 3 submitters: Pathogenic (1); Likely pathogenic (2). Last evaluated 2024-01-22.

Conditions:
Usher syndrome. Also called: Usher Syndromes; Usher's syndrome. Identifiers: Orphanet 886, MedGen CN469326, MeSH D052245, MONDO:0019501. Disease mechanism: loss of function.
Usher syndrome type 2A. Also called: USHER SYNDROME, TYPE IIA; RETINAL DISEASE IN USHER SYNDROME TYPE IIA, MODIFIER OF. Identifiers: Orphanet 231178, Orphanet 886, MedGen C1848634, MONDO:0010169, OMIM 276901.

Submissions (3):

Labcorp Genetics (formerly Invitae), Labcorp
Classification: Pathogenic. Last evaluated: 2024-01-22. Review status: criteria provided, single submitter. Criteria: Invitae Variant Classification Sherloc (09022015). Collection method: clinical testing. Allele origin: germline.
Comment: This sequence change creates a premature translational stop signal (p.Glu4963Glyfs*38) in the USH2A gene. It is expected to result in an absent or disrupted protein product. Loss-of-function variants in USH2A are known to be pathogenic (PMID: 10729113, 10909849, 20507924, 25649381). This variant is not present in population databases (gnomAD no frequency). This premature translational stop signal has been observed in individual(s) with Usher syndrome (PMID: 27460420). ClinVar contains an entry for this variant (Variation ID: 1440511). For these reasons, this variant has been classified as Pathogenic.

Genome-Nilou Lab
Classification: Likely pathogenic for Usher syndrome type 2A. Last evaluated: 2023-11-04. Review status: criteria provided, single submitter. Criteria: ACMG Guidelines, 2015. Collection method: clinical testing. Allele origin: germline. Affected: no.

Women's Health and Genetics/Laboratory Corporation of America, LabCorp
Classification: Likely pathogenic for Usher syndrome. Last evaluated: 2022-11-07. Review status: criteria provided, single submitter. Criteria: LabCorp Variant Classification Summary - May 2015. Collection method: clinical testing. Allele origin: germline.
Comment: Variant summary: USH2A c.14885dupA (p.Glu4963GlyfsX38) results in a premature termination codon, predicted to cause a truncation of the encoded protein or absence of the protein due to nonsense mediated decay, which are commonly known mechanisms for disease. Truncations downstream of this position have been classified as pathogenic by our laboratory. The variant was absent in 251302 control chromosomes (gnomAD). c.14885dupA has been reported in the literature in individuals affected with USH2A related conditions (examples: Bonnet_2016 and Karali_2019). These data indicate that the variant may be associated with disease. To our knowledge, no experimental evidence demonstrating an impact on protein function has been reported. One clinical diagnostic laboratory has submitted clinical-significance assessments for this variant to ClinVar after 2014 and classified the variant as pathogenic. Based on the evidence outlined above, the variant was classified as likely pathogenic.

Literature cited by the submitters: PubMed 10729113 (cited by Labcorp Genetics (formerly Invitae), Labcorp); PubMed 10909849 (cited by Labcorp Genetics (formerly Invitae), Labcorp); PubMed 20507924 (cited by Labcorp Genetics (formerly Invitae), Labcorp); PubMed 25649381 (cited by Labcorp Genetics (formerly Invitae), Labcorp); PubMed 27460420 (cited by Labcorp Genetics (formerly Invitae), Labcorp and Women's Health and Genetics/Laboratory Corporation of America, LabCorp); PubMed 31877679 (cited by Women's Health and Genetics/Laboratory Corporation of America, LabCorp); PubMed 35266249 (cited by Women's Health and Genetics/Laboratory Corporation of America, LabCorp).

NM_206933.4(USH2A):c.14885dup (p.Glu4963fs)

Gene: USH2A (usherin; minus strand). Cytogenetic location: 1q41.
Variant type: Duplication.
Coding change: c.14885dup on transcript NM_206933.4 (MANE Select); coding-DNA position 14885, one base duplicated (A; older notation c.14885dupA).
Protein change: p.Glu4963fs; shifts the reading frame from glutamic acid 4963.
Molecular consequence: frameshift variant.
Genome position (GRCh38, 1-based): chr1:215,640,641, T duplicated on the plus strand (A on the coding strand, the reverse complement: USH2A is on the minus strand); the first of 2 consecutive T bases (chr1:215,640,641-215,640,642); duplicating either gives the same sequence. VCF-style (leftmost placement, unchanged base first): chr1-215640640-C-CT. GRCh37 (hg19) VCF-style: chr1-215813982-C-CT.
Other names: short protein forms E4963fs.
Identifiers: ClinVar variation 1440511 (VCV001440511.7), dbSNP rs2102636006, ClinGen allele CA2573131534.